The following is an entry in ClinVar:

ClinVar aggregate classification (germline): Benign/Likely benign. Review status: criteria provided, multiple submitters, no conflicts (2 of 4 stars). 4 submissions from 4 submitters: Benign (1); Likely benign (3). Last evaluated 2024-12-02.

Conditions:
Hereditary cancer-predisposing syndrome. Also called: Tumor predisposition; Neoplastic Syndromes, Hereditary; Hereditary neoplastic syndrome; Hereditary Cancer Syndrome. Identifiers: Orphanet 140162, MedGen C0027672, MeSH D009386, MONDO:0015356.
Ataxia-telangiectasia syndrome (AT). Also called: Ataxia-telangiectasia, complementation group D; AT, COMPLEMENTATION GROUP C; ATAXIA-TELANGIECTASIA, COMPLEMENTATION GROUP A; ATAXIA-TELANGIECTASIA, FRESNO VARIANT; Ataxia-telangiectasia; Ataxia telangiectasia (A-T). Identifiers: Orphanet 100, MedGen C0004135, MONDO:0008840, OMIM 208900.
Familial cancer of breast. Also called: Hereditary breast cancer; hereditary breast carcinoma; BREAST CANCER, FAMILIAL. Identifiers: Orphanet 227535, MedGen C0346153, MONDO:0016419, OMIM 114480. Disease mechanism: loss of function.

Allele frequency attached by ClinVar (database versions not stated): gnomAD 0.00001; TOPMed 0.00001.
gnomAD v4.1: 1 of 1,612,964 alleles (0.000062%); highest among the groups gnomAD compares: African/African-American, 0.0013%; no homozygotes.

Submissions (4):

Labcorp Genetics (formerly Invitae), Labcorp
Classification: Likely benign for Ataxia-telangiectasia syndrome. Last evaluated: 2024-12-02. Review status: criteria provided, single submitter. Criteria: Invitae Variant Classification Sherloc (09022015). Collection method: clinical testing. Allele origin: germline.

Myriad Genetics, Inc.
Classification: Benign for Familial cancer of breast. Last evaluated: 2024-06-18. Review status: criteria provided, single submitter. Criteria: Myriad Autosomal Dominant, Autosomal Recessive and X-Linked Classification Criteria (2023). Collection method: clinical testing. Allele origin: unknown.
Comment: This variant is considered benign. This variant is a silent/synonymous amino acid change and it is not expected to impact splicing.

Ambry Genetics
Classification: Likely benign for Hereditary cancer-predisposing syndrome. Last evaluated: 2020-09-21. Review status: criteria provided, single submitter. Criteria: Ambry Variant Classification Scheme 2023. Collection method: clinical testing. Allele origin: germline.

Women's Health and Genetics/Laboratory Corporation of America, LabCorp
Classification: Likely benign. Last evaluated: 2020-01-31. Review status: criteria provided, single submitter. Criteria: LabCorp Variant Classification Summary - May 2015. Collection method: clinical testing. Allele origin: germline.

NM_000051.4(ATM):c.8019C>T (p.His2673=)

Genes: ATM (ATM serine/threonine kinase; plus strand), C11orf65 (chromosome 11 open reading frame 65; minus strand). Cytogenetic location: 11q22.3.
Variant type: single nucleotide variant.
Coding change: c.8019C>T on transcript NM_000051.4 (MANE Select); coding-DNA position 8019, C replaced by T.
Protein change: p.His2673=; no amino-acid change (histidine 2673 retained).
Molecular consequence: synonymous variant. On other transcripts: intron variant (2).
Genome position (GRCh38, 1-based): chr11:108,334,977, C>T. VCF-style: chr11-108334977-C-T. GRCh37 (hg19) VCF-style: chr11-108205704-C-T.
Other names: c.8019C>T, p.His2673= (NM_001351834.2); c.641-25906G>A (NM_001330368.2); c.*38+243G>A (NM_001351110.2).
Identifiers: ClinVar variation 929182 (VCV000929182.12), dbSNP rs1181283176, ClinGen allele CA476677611.